The following is an entry in ClinVar:

ClinVar aggregate classification (germline): Conflicting classifications of pathogenicity. Review status: criteria provided, conflicting classifications (1 of 4 stars). 4 submissions from 4 submitters: Uncertain significance (3); Benign (1). Last evaluated 2025-11-01.

Conditions:
Cardiovascular phenotype. Identifiers: MedGen CN230736.

Allele frequency attached by ClinVar (database versions not stated): gnomAD exomes 0.00003 and 0.00009; gnomAD 0.00005; TOPMed 0.00006; ExAC 0.00049.
gnomAD v4.1: 60 of 1,548,490 alleles (0.0039%); highest among the groups gnomAD compares: South Asian, 0.04%; no homozygotes.

Submissions (4):

CeGaT Center for Human Genetics Tuebingen
Classification: Uncertain significance. Last evaluated: 2025-11-01. Review status: criteria provided, single submitter. Criteria: CeGaT Center For Human Genetics Tuebingen Variant Classification Criteria Version 2. Collection method: clinical testing. Allele origin: germline. Affected: yes. Observed: 2 variant alleles.
Comment: ZNF469: PM2, BP4

GeneDx
Classification: Uncertain significance. Last evaluated: 2024-07-30. Review status: criteria provided, single submitter. Criteria: GeneDx Variant Classification Process June 2021. Collection method: clinical testing. Allele origin: germline. Affected: yes.
Comment: In silico analysis indicates that this missense variant does not alter protein structure/function; Has not been previously published as pathogenic or benign to our knowledge

Ambry Genetics
Classification: Benign for Cardiovascular phenotype. Last evaluated: 2023-09-15. Review status: criteria provided, single submitter. Criteria: Ambry Variant Classification Scheme 2023. Collection method: clinical testing. Allele origin: germline.

Labcorp Genetics (formerly Invitae), Labcorp
Classification: Uncertain significance. Last evaluated: 2022-07-25. Review status: criteria provided, single submitter. Criteria: Invitae Variant Classification Sherloc (09022015). Collection method: clinical testing. Allele origin: germline.
Comment: This sequence change replaces arginine, which is basic and polar, with histidine, which is basic and polar, at codon 119 of the ZNF469 protein (p.Arg119His). This variant is present in population databases (rs759962057, gnomAD 0.05%). This variant has not been reported in the literature in individuals affected with ZNF469-related conditions. ClinVar contains an entry for this variant (Variation ID: 1431286). Algorithms developed to predict the effect of missense changes on protein structure and function output the following: SIFT: "Tolerated"; PolyPhen-2: "Benign"; Align-GVGD: "Class C0". The histidine amino acid residue is found in multiple mammalian species, which suggests that this missense change does not adversely affect protein function. In summary, the available evidence is currently insufficient to determine the role of this variant in disease. Therefore, it has been classified as a Variant of Uncertain Significance.

NM_001367624.2(ZNF469):c.356G>A (p.Arg119His)

Gene: ZNF469 (zinc finger protein 469; plus strand). Cytogenetic location: 16q24.2.
Variant type: single nucleotide variant.
Coding change: c.356G>A on transcript NM_001367624.2 (MANE Select); coding-DNA position 356, G replaced by A.
Protein change: p.Arg119His; replaces arginine 119 with histidine.
Molecular consequence: missense variant.
Genome position (GRCh38, 1-based): chr16:88,427,826, G>A. VCF-style: chr16-88427826-G-A. GRCh37 (hg19) VCF-style: chr16-88494234-G-A.
Other names: NM_001127464.1:c.356G>A; short protein forms R119H.
Identifiers: ClinVar variation 1431286 (VCV001431286.35), dbSNP rs759962057, ClinGen allele CA8224583.